The following is an entry in ClinVar:

NM_005472.5(KCNE3):c.310T>C (p.Ter104Gln)

Gene: KCNE3 (potassium voltage-gated channel subfamily E regulatory subunit 3; minus strand). Cytogenetic location: 11q13.4.
Variant type: single nucleotide variant.
Coding change: c.310T>C on transcript NM_005472.5 (MANE Select); coding-DNA position 310, T replaced by C.
Protein change: p.Ter104Gln.
Molecular consequence: stop lost.
Genome position (GRCh38, 1-based): chr11:74,457,254, A>G on the plus strand (T>C on the coding strand, the complement: KCNE3 is on the minus strand). VCF-style: chr11-74457254-A-G. GRCh37 (hg19) VCF-style: chr11-74168299-A-G.
Other names: *104Q.
Identifiers: ClinVar variation 538118 (VCV000538118.1), dbSNP rs141695803, ClinGen allele CA224975647.

ClinVar aggregate classification (germline): Uncertain significance (1 of 4 stars; one submission).

Conditions:
Brugada syndrome 6 (BRGDA6). Identifiers: Orphanet 130, MedGen C2751089, MONDO:0013145, OMIM 613119.

Allele frequency attached by ClinVar (database versions not stated): gnomAD exomes below 0.00001; ESP Exome Variant Server 0.00008.

Submission:

Labcorp Genetics (formerly Invitae), Labcorp
Classification: Uncertain significance for Brugada syndrome 6. Last evaluated: 2017-10-27. Review status: criteria provided, single submitter. Criteria: Invitae Variant Classification Sherloc (09022015). Collection method: clinical testing. Allele origin: germline.
Comment: This sequence change disrupts the translational stop signal of the KCNE3 mRNA. It is expected to extend the length of the KCNE3 protein by 62 additional amino acid residues. This variant is not present in population databases (ExAC no frequency). This variant has not been reported in the literature in individuals with KCNE3-related disease. Experimental studies and prediction algorithms are not available for this variant, and the functional significance of the additional amino acids are currently unknown. In summary, the available evidence is currently insufficient to determine the role of this variant in disease. Therefore, it has been classified as a Variant of Uncertain Significance.